The following is an entry in ClinVar:

ClinVar aggregate classification (germline): Benign/Likely benign. Review status: criteria provided, multiple submitters, no conflicts (2 of 4 stars). 9 submissions from 8 submitters: Benign (4); Likely benign (2). 3 of the submissions do not count toward it. Last evaluated 2026-01-31.

Conditions:
SLC20A2-related disorder. Also called: SLC20A2-related condition.
Idiopathic basal ganglia calcification 1 (PFBC1A). Also called: Familial Idiopathic Basal Ganglia Calcification 2; Familial Idiopathic Basal Ganglia Calcification 3; Primary Familial Brain Calcification; PRIMARY FAMILIAL BRAIN CALCIFICATION 1A, AUTOSOMAL DOMINANT; Fahr's syndrome; Cerebral calcification nonarteriosclerotic idiopathic adult-onset. Identifiers: Orphanet 1980, MedGen C4551624, MONDO:0024538, OMIM 213600.

Allele frequency attached by ClinVar (database versions not stated): 1000 Genomes Project 30x 0.00593; gnomAD exomes 0.01269; TOPMed 0.01287; ESP Exome Variant Server 0.01638; ExAC 0.01335; 1000 Genomes Project 0.00579; gnomAD 0.01539.
gnomAD v4.1: 28,445 of 1,614,052 alleles (1.8%); highest among the groups gnomAD compares: Non-Finnish European, 2.1%; 306 homozygotes.

Submissions (9):

Labcorp Genetics (formerly Invitae), Labcorp
Classification: Benign. Last evaluated: 2026-01-31. Review status: criteria provided, single submitter. Criteria: Invitae Variant Classification Sherloc (09022015). Collection method: clinical testing. Allele origin: germline.

Mayo Clinic Laboratories, Mayo Clinic
Classification: Benign. Last evaluated: 2023-03-09. Review status: criteria provided, single submitter. Criteria: ACMG Guidelines, 2015. Collection method: clinical testing. Allele origin: germline. Observed: 21 variant alleles.
Comment: BS1, BS2, BP4

GeneDx
Classification: Likely benign. Last evaluated: 2020-10-08. Review status: criteria provided, single submitter. Criteria: GeneDx Variant Classification Process June 2021. Collection method: clinical testing. Allele origin: germline. Affected: yes.

Illumina Laboratory Services, Illumina
Classification: Benign for Idiopathic basal ganglia calcification 1. Last evaluated: 2018-01-13. Review status: criteria provided, single submitter. Criteria: ICSL Variant Classification Criteria 13 December 2019. Collection method: clinical testing. Allele origin: germline.
Comment: This variant was observed in the ICSL laboratory as part of a predisposition screen in an ostensibly healthy population. It had not been previously curated by ICSL or reported in the Human Gene Mutation Database (HGMD: prior to June 1st, 2018), and was therefore a candidate for classification through an automated scoring system. Utilizing variant allele frequency, disease prevalence and penetrance estimates, and inheritance mode, an automated score was calculated to assess if this variant is too frequent to cause the disease. Based on the score and internal cut-off values, a variant classified as benign is not then subjected to further curation. The score for this variant resulted in a classification of benign for this disease.

Clinical Genetics DNA and cytogenetics Diagnostics Lab, Erasmus MC, Erasmus Medical Center
Classification: Benign for Idiopathic basal ganglia calcification 1. Last evaluated: 2015-09-21. Review status: criteria provided, single submitter. Criteria: ACGS Guidelines, 2013. Collection method: clinical testing. Allele origin: germline. Affected: yes. Study: VKGL Data-share Consensus.

Breakthrough Genomics
Classification: Likely benign. Review status: criteria provided, single submitter. Criteria: ACMG Guidelines, 2015. Collection method: not provided. Allele origin: germline. Inheritance: Autosomal dominant inheritance. Affected: yes.

PreventionGenetics, part of Exact Sciences
Classification: Benign for SLC20A2-related condition. Last evaluated: 2019-09-18. Review status: no assertion criteria provided. Collection method: clinical testing. Allele origin: germline. Not counted in ClinVar's aggregate classification.
Comment: This variant is classified as benign based on ACMG/AMP sequence variant interpretation guidelines (Richards et al. 2015 PMID: 25741868, with internal and published modifications).

Genome Diagnostics Laboratory, Amsterdam University Medical Center
Classification: Likely benign for Idiopathic basal ganglia calcification 1. Last evaluated: 2015-10-20. Review status: no assertion criteria provided. Criteria: ACGS Guidelines, 2013. Collection method: clinical testing. Allele origin: germline. Affected: yes. Study: VKGL Data-share Consensus. Not counted in ClinVar's aggregate classification.

Genome Diagnostics Laboratory, Amsterdam University Medical Center
Classification: Benign. Review status: no assertion criteria provided. Collection method: clinical testing. Allele origin: germline. Affected: yes. Study: VKGL Data-share Consensus. Not counted in ClinVar's aggregate classification.

NM_001257180.2(SLC20A2):c.1438G>A (p.Ala480Thr)

Gene: SLC20A2 (solute carrier family 20 member 2; minus strand). Cytogenetic location: 8p11.21.
Variant type: single nucleotide variant.
Coding change: c.1438G>A on transcript NM_001257180.2 (MANE Select); coding-DNA position 1438, G replaced by A.
Protein change: p.Ala480Thr; replaces alanine 480 with threonine.
Molecular consequence: missense variant.
Genome position (GRCh38, 1-based): chr8:42,437,074, C>T on the plus strand (G>A on the coding strand, the complement: SLC20A2 is on the minus strand). VCF-style: chr8-42437074-C-T. GRCh37 (hg19) VCF-style: chr8-42294592-C-T.
Other names: p.Ala480Thr; c.1438G>A, p.Ala480Thr (NM_001257181.2, NM_006749.5); short protein forms A480T.
Identifiers: ClinVar variation 363072 (VCV000363072.21), dbSNP rs79577461, ClinGen allele CA4733314.